The following is an entry in ClinVar:

ClinVar aggregate classification (germline): Uncertain significance (1 of 4 stars; one submission).

Conditions:
Developmental and epileptic encephalopathy 94 (DEE94). Also called: Epileptic encephalopathy, childhood-onset; CHD2-Related Neurodevelopmental Disorders. Identifiers: Orphanet 1942, Orphanet 2382, MedGen C3809278, MONDO:0014150, OMIM 615369.

Submission:

Juno Genomics, Hangzhou Juno Genomics, Inc
Classification: Uncertain significance for Developmental and epileptic encephalopathy 94. Review status: criteria provided, single submitter. Criteria: ACMG Guidelines, 2015. Collection method: clinical testing. Allele origin: germline.
Comment: Missense variant in a gene that has a low rate of benign missense variation.;Multiple lines of computational evidence support a deleterious effect on the gene or gene product.;Absent from controls (or at extremely low frequency if recessive) in Genome Aggregation Database.

NM_001271.4(CHD2):c.3851T>C (p.Ile1284Thr)

Gene: CHD2 (chromodomain helicase DNA binding protein 2; plus strand). Cytogenetic location: 15q26.1.
Variant type: single nucleotide variant.
Coding change: c.3851T>C on transcript NM_001271.4 (MANE Select); coding-DNA position 3851, T replaced by C.
Protein change: p.Ile1284Thr; replaces isoleucine 1284 with threonine.
Molecular consequence: missense variant.
Genome position (GRCh38, 1-based): chr15:92,997,369, T>C. VCF-style: chr15-92997369-T-C. GRCh37 (hg19) VCF-style: chr15-93540599-T-C.
Other names: short protein forms I1284T.
Identifiers: ClinVar variation 5005491 (VCV005005491.2).